The following is an entry in ClinVar:

NM_001363118.2(SLC52A2):c.818C>T (p.Ser273Leu)

Gene: SLC52A2 (solute carrier family 52 member 2; plus strand). Cytogenetic location: 8q24.3.
Variant type: single nucleotide variant.
Coding change: c.818C>T on transcript NM_001363118.2 (MANE Select); coding-DNA position 818, C replaced by T.
Protein change: p.Ser273Leu; replaces serine 273 with leucine.
Molecular consequence: missense variant. On other transcripts: non-coding transcript variant (1).
Genome position (GRCh38, 1-based): chr8:144,360,310, C>T. VCF-style: chr8-144360310-C-T. GRCh37 (hg19) VCF-style: chr8-145583970-C-T.
Other names: c.818C>T, p.Ser273Leu (NM_001253815.2, NM_001253816.2, NM_001363120.2 and 2 more transcripts); c.326C>T, p.Ser109Leu (NM_001363122.2); short protein forms S109L, S273L.
Identifiers: ClinVar variation 1349807 (VCV001349807.5), dbSNP rs532053820, ClinGen allele CA187657430.

ClinVar aggregate classification (germline): Uncertain significance (1 of 4 stars; one submission).

Conditions:
Brown-Vialetto-van Laere syndrome 2. Also called: SPINOCEREBELLAR ATAXIA WITH BLINDNESS AND DEAFNESS 2; Riboflavin transporter deficiency type 2. Identifiers: Orphanet 572543, Orphanet 97229, MedGen C3553538, MONDO:0013867, OMIM 614707.

Allele frequency attached by ClinVar (database versions not stated): gnomAD exomes below 0.00001.
gnomAD v4.1: 1 of 1,610,602 alleles (0.000062%); highest among the groups gnomAD compares: Admixed American, 0.0017%; no homozygotes.

Submission:

Labcorp Genetics (formerly Invitae), Labcorp
Classification: Uncertain significance for Brown-Vialetto-van Laere syndrome 2. Last evaluated: 2021-11-13. Review status: criteria provided, single submitter. Criteria: Invitae Variant Classification Sherloc (09022015). Collection method: clinical testing. Allele origin: germline.
Comment: This sequence change replaces serine, which is neutral and polar, with leucine, which is neutral and non-polar, at codon 273 of the SLC52A2 protein (p.Ser273Leu). This variant is present in population databases (rs532053820, gnomAD 0.003%). This variant has not been reported in the literature in individuals affected with SLC52A2-related conditions. Algorithms developed to predict the effect of missense changes on protein structure and function (SIFT, PolyPhen-2, Align-GVGD) all suggest that this variant is likely to be disruptive. In summary, the available evidence is currently insufficient to determine the role of this variant in disease. Therefore, it has been classified as a Variant of Uncertain Significance.